The following is an entry in ClinVar:

NM_001457.4(FLNB):c.7610G>A (p.Cys2537Tyr)

Genes: FLNB (filamin B; plus strand), FLNB-AS1 (FLNB antisense RNA 1; minus strand). Cytogenetic location: 3p14.3.
Variant type: single nucleotide variant.
Coding change: c.7610G>A on transcript NM_001457.4 (MANE Select); coding-DNA position 7610, G replaced by A.
Protein change: p.Cys2537Tyr; replaces cysteine 2537 with tyrosine.
Molecular consequence: missense variant.
Genome position (GRCh38, 1-based): chr3:58,169,782, G>A. VCF-style: chr3-58169782-G-A. GRCh37 (hg19) VCF-style: chr3-58155509-G-A.
Other names: c.7703G>A, p.Cys2568Tyr (NM_001164317.2); c.7577G>A, p.Cys2526Tyr (NM_001164318.2); c.7538G>A, p.Cys2513Tyr (NM_001164319.2); short protein forms C2526Y, C2537Y, C2568Y, C2513Y.
Identifiers: ClinVar variation 900879 (VCV000900879.9), dbSNP rs202215191, ClinGen allele CA2469730.

ClinVar aggregate classification (germline): Conflicting classifications of pathogenicity. Review status: criteria provided, conflicting classifications (1 of 4 stars). 3 submissions from 3 submitters: Uncertain significance (2); Likely benign (1). Last evaluated 2025-08-14.

Conditions:
Inborn genetic diseases. Identifiers: MedGen C0950123, MeSH D030342.
FLNB-Related Spectrum Disorders.

Allele frequency attached by ClinVar (database versions not stated): gnomAD 0.00001; TOPMed 0.00002; gnomAD exomes 0.00003 and 0.00005; ExAC 0.00007.
gnomAD v4.1: 46 of 1,582,326 alleles (0.0029%); highest among the groups gnomAD compares: Middle Eastern, 0.034%; no homozygotes.

Submissions (3):

Ambry Genetics
Classification: Likely benign for Inborn genetic diseases. Last evaluated: 2025-08-14. Review status: criteria provided, single submitter. Criteria: Ambry Variant Classification Scheme 2023. Collection method: clinical testing. Allele origin: germline.

Labcorp Genetics (formerly Invitae), Labcorp
Classification: Uncertain significance. Last evaluated: 2025-02-02. Review status: criteria provided, single submitter. Criteria: Invitae Variant Classification Sherloc (09022015). Collection method: clinical testing. Allele origin: germline.
Comment: This sequence change replaces cysteine, which is neutral and slightly polar, with tyrosine, which is neutral and polar, at codon 2537 of the FLNB protein (p.Cys2537Tyr). This variant is present in population databases (rs202215191, gnomAD 0.04%). This variant has not been reported in the literature in individuals affected with FLNB-related conditions. ClinVar contains an entry for this variant (Variation ID: 900879). Invitae Evidence Modeling of protein sequence and biophysical properties (such as structural, functional, and spatial information, amino acid conservation, physicochemical variation, residue mobility, and thermodynamic stability) indicates that this missense variant is expected to disrupt FLNB protein function with a positive predictive value of 80%. In summary, the available evidence is currently insufficient to determine the role of this variant in disease. Therefore, it has been classified as a Variant of Uncertain Significance.

Illumina Laboratory Services, Illumina
Classification: Uncertain significance for FLNB-Related Spectrum Disorders. Last evaluated: 2018-01-13. Review status: criteria provided, single submitter. Criteria: ICSL Variant Classification Criteria 13 December 2019. Collection method: clinical testing. Allele origin: germline.